The following is an entry in ClinVar:

ClinVar aggregate classification (germline): Uncertain significance (1 of 4 stars; one submission).

gnomAD v4.1: 1 of 1,614,024 alleles (0.000062%); highest among the groups gnomAD compares: Non-Finnish European, 0.000085%; no homozygotes.

Submission:

Labcorp Genetics (formerly Invitae), Labcorp
Classification: Uncertain significance. Last evaluated: 2024-08-28. Review status: criteria provided, single submitter. Criteria: Invitae Variant Classification Sherloc (09022015). Collection method: clinical testing. Allele origin: germline.
Comment: This sequence change replaces asparagine, which is neutral and polar, with aspartic acid, which is acidic and polar, at codon 898 of the MYH3 protein (p.Asn898Asp). This variant is present in population databases (rs751174665, gnomAD 0.0009%). This variant has not been reported in the literature in individuals affected with MYH3-related conditions. Invitae Evidence Modeling of protein sequence and biophysical properties (such as structural, functional, and spatial information, amino acid conservation, physicochemical variation, residue mobility, and thermodynamic stability) indicates that this missense variant is not expected to disrupt MYH3 protein function with a negative predictive value of 95%. In summary, the available evidence is currently insufficient to determine the role of this variant in disease. Therefore, it has been classified as a Variant of Uncertain Significance.

NM_002470.4(MYH3):c.2692A>G (p.Asn898Asp)

Gene: MYH3 (myosin heavy chain 3; minus strand). Cytogenetic location: 17p13.1.
Variant type: single nucleotide variant.
Coding change: c.2692A>G on transcript NM_002470.4 (MANE Select); coding-DNA position 2692, A replaced by G.
Protein change: p.Asn898Asp; replaces asparagine 898 with aspartic acid.
Molecular consequence: missense variant.
Genome position (GRCh38, 1-based): chr17:10,639,793, T>C on the plus strand (A>G on the coding strand, the complement: MYH3 is on the minus strand). VCF-style: chr17-10639793-T-C. GRCh37 (hg19) VCF-style: chr17-10543110-T-C.
Other names: short protein forms N898D.
Identifiers: ClinVar variation 3611452 (VCV003611452.2).